The following is an entry in ClinVar:

NM_000201.3(ICAM1):c.-9A>C

Genes: ICAM1 (intercellular adhesion molecule 1; plus strand), LIMASI (lncRNA inflammatory and mucous response associated, antisense to ICAM1; minus strand). Cytogenetic location: 19p13.2.
Variant type: single nucleotide variant.
Coding change: c.-9A>C on transcript NM_000201.3 (MANE Select); 9 bases upstream of the start codon, A replaced by C.
Molecular consequence: 5 prime UTR variant.
Genome position (GRCh38, 1-based): chr19:10,271,151, A>C. VCF-style: chr19-10271151-A-C. GRCh37 (hg19) VCF-style: chr19-10381827-A-C.
Identifiers: ClinVar variation 3056696 (VCV003056696.2), dbSNP rs5490, ClinGen allele CA9189674.

ClinVar aggregate classification (germline): Benign (0 of 4 stars; one submission).

Conditions:
ICAM1-related disorder. Also called: ICAM1-related condition.

Allele frequency attached by ClinVar (database versions not stated): gnomAD exomes 0.00611; ExAC 0.02211; gnomAD 0.06348; 1000 Genomes Project 0.07009; ESP Exome Variant Server 0.07078; 1000 Genomes Project 30x 0.07199; TOPMed 0.07237.
gnomAD v4.1: 19,029 of 1,612,170 alleles (1.2%); highest among the groups gnomAD compares: African/African-American, 22%; 1,905 homozygotes.

Submission:

PreventionGenetics, part of Exact Sciences
Classification: Benign for ICAM1-related condition. Last evaluated: 2019-12-05. Review status: no assertion criteria provided. Collection method: clinical testing. Allele origin: germline.
Comment: This variant is classified as benign based on ACMG/AMP sequence variant interpretation guidelines (Richards et al. 2015 PMID: 25741868, with internal and published modifications).